The following is an entry in ClinVar:

ClinVar aggregate classification (germline): Uncertain significance (1 of 4 stars; one submission).

Submission:

Women's Health and Genetics/Laboratory Corporation of America, LabCorp
Classification: Uncertain significance. Last evaluated: 2025-07-16. Review status: criteria provided, single submitter. Criteria: LabCorp Variant Classification Summary - May 2015. Collection method: clinical testing. Allele origin: germline.
Comment: Variant summary: CCDC8 c.918_919delGG (p.Glu306AspfsX4) results in a premature termination codon, predicted to cause a truncation of the encoded protein or absence of the protein due to nonsense mediated decay, however current evidence is not sufficient to establish loss of function as a mechanism for disease. The frequency data for this variant in gnomAD is considered unreliable, as metrics indicate poor data quality at this position. To our knowledge, no occurrence of c.918_919delGG in individuals affected with Three M Syndrome 3 and no experimental evidence demonstrating its impact on protein function have been reported. No submitters have cited clinical-significance assessments for this variant to ClinVar. Based on the evidence outlined above, the variant was classified as uncertain significance.

NM_032040.5(CCDC8):c.918_919del (p.Glu306fs)

Gene: CCDC8 (coiled-coil domain containing 8 subunit of 3M complex; minus strand). Cytogenetic location: 19q13.32.
Variant type: Deletion.
Coding change: c.918_919del on transcript NM_032040.5 (MANE Select); coding-DNA positions 918 to 919, 2 bases deleted (GG; older notation c.918_919delGG).
Protein change: p.Glu306fs; shifts the reading frame from glutamic acid 306.
Molecular consequence: frameshift variant.
Genome position (GRCh38, 1-based): chr19:46,411,892-46,411,893, CC deleted on the plus strand (GG on the coding strand, the reverse complement: CCDC8 is on the minus strand). VCF-style (leftmost placement, unchanged base first): chr19-46411891-GCC-G. GRCh37 (hg19) VCF-style: chr19-46915148-GCC-G.
Other names: c.918_919delGG (NM_032040.5); short protein forms E306fs.
Identifiers: ClinVar variation 4525843 (VCV004525843.1).
Genomic context (GRCh38, chr19:46,411,891, plus strand): 5'-TGGTCAGCTGGGGCCCCTGCCCTCTGATTACCTGCAGCCCCTTCCCGCTGGTCAGCTATG[GCC>G]TCTTCCCTTTGACTATCTGCAGCCTCTCCCCCCTGATCAGCCTCGATGTCTGCCCCCTGA-3'